The following is an entry in ClinVar:

NM_031942.5(CDCA7):c.1201C>G (p.Pro401Ala)

Gene: CDCA7 (cell division cycle associated 7; plus strand). Cytogenetic location: 2q31.1.
Variant type: single nucleotide variant.
Coding change: c.1201C>G on transcript NM_031942.5 (MANE Select); coding-DNA position 1201, C replaced by G.
Protein change: p.Pro401Ala; replaces proline 401 with alanine.
Molecular consequence: missense variant.
Genome position (GRCh38, 1-based): chr2:173,367,165, C>G. VCF-style: chr2-173367165-C-G. GRCh37 (hg19) VCF-style: chr2-174231893-C-G.
Other names: c.964C>G, p.Pro322Ala (NM_145810.3); c.1201C>G (NM_031942.4); short protein forms P322A, P401A.
Identifiers: ClinVar variation 1918869 (VCV001918869.6), dbSNP rs770704244, ClinGen allele CA1971468.

ClinVar aggregate classification (germline): Uncertain significance. Review status: criteria provided, multiple submitters, no conflicts (2 of 4 stars). 2 submissions from 2 submitters: Uncertain significance (2). Last evaluated 2025-03-27.

Allele frequency attached by ClinVar (database versions not stated): gnomAD 0.00001; gnomAD exomes 0.00001; TOPMed 0.00001; ExAC 0.00004.
gnomAD v4.1: 17 of 1,595,334 alleles (0.0011%); highest among the groups gnomAD compares: Non-Finnish European, 0.0013%; no homozygotes.

Submissions (2):

Ambry Genetics
Classification: Uncertain significance. Last evaluated: 2025-03-27. Review status: criteria provided, single submitter. Criteria: Ambry Variant Classification Scheme 2023. Collection method: clinical testing. Allele origin: germline.

Labcorp Genetics (formerly Invitae), Labcorp
Classification: Uncertain significance. Last evaluated: 2022-05-30. Review status: criteria provided, single submitter. Criteria: Invitae Variant Classification Sherloc (09022015). Collection method: clinical testing. Allele origin: germline.
Comment: This variant has not been reported in the literature in individuals affected with CDCA7-related conditions. Algorithms developed to predict the effect of missense changes on protein structure and function are either unavailable or do not agree on the potential impact of this missense change (SIFT: "Tolerated"; PolyPhen-2: "Possibly Damaging"; Align-GVGD: "Class C0"). In summary, the available evidence is currently insufficient to determine the role of this variant in disease. Therefore, it has been classified as a Variant of Uncertain Significance. This sequence change replaces proline, which is neutral and non-polar, with alanine, which is neutral and non-polar, at codon 401 of the CDCA7 protein (p.Pro401Ala). This variant is present in population databases (rs770704244, gnomAD 0.005%).